The following is an entry in ClinVar:

NM_016599.5(MYOZ2):c.479C>T (p.Pro160Leu)

Gene: MYOZ2 (myozenin 2; plus strand). Cytogenetic location: 4q26.
Variant type: single nucleotide variant.
Coding change: c.479C>T on transcript NM_016599.5 (MANE Select); coding-DNA position 479, C replaced by T.
Protein change: p.Pro160Leu; replaces proline 160 with leucine.
Molecular consequence: missense variant.
Genome position (GRCh38, 1-based): chr4:119,164,313, C>T. VCF-style: chr4-119164313-C-T. GRCh37 (hg19) VCF-style: chr4-120085468-C-T.
Other names: p.P160L:CCG>CTG; short protein forms P160L.
Identifiers: ClinVar variation 213655 (VCV000213655.19), dbSNP rs200791464, ClinGen allele CA321364.

ClinVar aggregate classification (germline): Uncertain significance. Review status: criteria provided, multiple submitters, no conflicts (2 of 4 stars). 7 submissions from 7 submitters: Uncertain significance (6). 1 of the submissions does not count toward it. Last evaluated 2025-12-17.

Conditions:
Cardiovascular phenotype. Identifiers: MedGen CN230736.
Hypertrophic cardiomyopathy 16. Identifiers: MedGen C3151204, MONDO:0013455, OMIM 613838.
Primary familial hypertrophic cardiomyopathy (HCM). Identifiers: Orphanet 99739, MedGen C0949658, MeSH D024741, MONDO:0024573. Inheritance: Various modes of inheritance.
Hypertrophic cardiomyopathy. Also called: HYPERTROPHIC MYOCARDIOPATHY. Identifiers: Orphanet 217569, MedGen C0007194, MeSH D002312, MONDO:0005045, HP:0001639.

Allele frequency attached by ClinVar (database versions not stated): TOPMed 0.00003; gnomAD 0.00007 and 0.00008; ExAC 0.00008; 1000 Genomes Project 30x 0.00016; 1000 Genomes Project 0.00020.

Submissions (7):

Labcorp Genetics (formerly Invitae), Labcorp
Classification: Uncertain significance for Hypertrophic cardiomyopathy. Last evaluated: 2025-12-17. Review status: criteria provided, single submitter. Criteria: Invitae Variant Classification Sherloc (09022015). Collection method: clinical testing. Allele origin: germline.
Comment: This sequence change replaces proline, which is neutral and non-polar, with leucine, which is neutral and non-polar, at codon 160 of the MYOZ2 protein (p.Pro160Leu). This variant is present in population databases (rs200791464, gnomAD 0.01%). This variant has not been reported in the literature in individuals affected with MYOZ2-related conditions. ClinVar contains an entry for this variant (Variation ID: 213655). Invitae Evidence Modeling of protein sequence and biophysical properties (such as structural, functional, and spatial information, amino acid conservation, physicochemical variation, residue mobility, and thermodynamic stability) has been performed for this missense variant. However, the output from this modeling did not meet the statistical confidence thresholds required to predict the impact of this variant on MYOZ2 protein function. In summary, the available evidence is currently insufficient to determine the role of this variant in disease. Therefore, it has been classified as a Variant of Uncertain Significance.

Ambry Genetics
Classification: Uncertain significance for Cardiovascular phenotype. Last evaluated: 2025-04-14. Review status: criteria provided, single submitter. Criteria: Ambry Variant Classification Scheme 2023. Collection method: clinical testing. Allele origin: germline.
Comment: The p.P160L variant (also known as c.479C>T), located in coding exon 4 of the MYOZ2 gene, results from a C to T substitution at nucleotide position 479. The proline at codon 160 is replaced by leucine, an amino acid with similar properties. This amino acid position is highly conserved in available vertebrate species. In addition, this alteration is predicted to be tolerated by in silico analysis. Since supporting evidence is limited at this time, the clinical significance of this alteration remains unclear.

GeneDx
Classification: Uncertain significance. Last evaluated: 2022-04-27. Review status: criteria provided, single submitter. Criteria: GeneDx Variant Classification Process June 2021. Collection method: clinical testing. Allele origin: germline. Affected: yes.
Comment: Has not been previously published as pathogenic or benign to our knowledge; In silico analysis supports that this missense variant has a deleterious effect on protein structure/function; Variants in candidate genes are classified as variants of uncertain significance in accordance with ACMG guidelines (Richards et al., 2015)

Genome Diagnostics Laboratory, University Medical Center Utrecht
Classification: Uncertain significance for Hypertrophic cardiomyopathy 16. Last evaluated: 2016-09-09. Review status: criteria provided, single submitter. Criteria: ACGS Guidelines, 2013. Collection method: clinical testing. Allele origin: germline. Affected: yes. Study: VKGL Data-share Consensus.

Molecular Diagnostic Laboratory for Inherited Cardiovascular Disease, Montreal Heart Institute
Classification: Uncertain significance for Primary familial hypertrophic cardiomyopathy. Last evaluated: 2016-07-28. Review status: criteria provided, single submitter. Criteria: ACMG Guidelines, 2015. Collection method: clinical testing. Allele origin: germline. Affected: yes.

Clinical Genetics DNA and cytogenetics Diagnostics Lab, Erasmus MC, Erasmus Medical Center
Classification: Uncertain significance for Hypertrophic cardiomyopathy 16. Last evaluated: 2015-09-21. Review status: criteria provided, single submitter. Criteria: ACGS Guidelines, 2013. Collection method: clinical testing. Allele origin: germline. Affected: yes. Study: VKGL Data-share Consensus.

Clinical Genetics, Academic Medical Center
Classification: Uncertain significance. Review status: no assertion criteria provided. Collection method: clinical testing. Allele origin: germline. Affected: yes. Study: VKGL Data-share Consensus. Not counted in ClinVar's aggregate classification.